The following is an entry in ClinVar:

NM_001201543.2(FAM161A):c.1300del (p.Leu434fs)

Gene: FAM161A (FAM161 centrosomal protein A; minus strand). Cytogenetic location: 2p15.
Variant type: Deletion.
Coding change: c.1300del on transcript NM_001201543.2 (MANE Select); coding-DNA position 1300, one base deleted (C; older notation c.1300delC).
Protein change: p.Leu434fs; shifts the reading frame from leucine 434.
Molecular consequence: frameshift variant. On other transcripts: non-coding transcript variant (1).
Genome position (GRCh38, 1-based): chr2:61,839,704, G deleted on the plus strand (C on the coding strand, the reverse complement: FAM161A is on the minus strand); the first of 2 consecutive G bases (chr2:61,839,704-61,839,705); deleting either gives the same sequence. VCF-style (leftmost placement, unchanged base first): chr2-61839703-AG-A. GRCh37 (hg19) VCF-style: chr2-62066838-AG-A.
Other names: c.1300del, p.Leu434fs (NM_032180.3); short protein forms L434fs.
Identifiers: ClinVar variation 2861235 (VCV002861235.3), dbSNP rs1342829770, ClinGen allele CA770982038.

ClinVar aggregate classification (germline): Pathogenic (1 of 4 stars; one submission).

Submission:

Labcorp Genetics (formerly Invitae), Labcorp
Classification: Pathogenic. Last evaluated: 2023-05-01. Review status: criteria provided, single submitter. Criteria: Invitae Variant Classification Sherloc (09022015). Collection method: clinical testing. Allele origin: germline.
Comment: For these reasons, this variant has been classified as Pathogenic. This variant has not been reported in the literature in individuals affected with FAM161A-related conditions. This variant is not present in population databases (gnomAD no frequency). This sequence change creates a premature translational stop signal (p.Leu434Phefs*18) in the FAM161A gene. It is expected to result in an absent or disrupted protein product. Loss-of-function variants in FAM161A are known to be pathogenic (PMID: 20705278, 20705279, 24651477).

Literature cited by the submitters: PubMed 20705278; PubMed 20705279; PubMed 24651477.